The following is an entry in ClinVar:

ClinVar aggregate classification (germline): Likely benign (1 of 4 stars; one submission).

Allele frequency attached by ClinVar (database versions not stated): 1000 Genomes Project 30x 0.00042; 1000 Genomes Project 0.00053.
gnomAD v4.1: 727 of 468,597 alleles (0.16%); highest among the groups gnomAD compares: Non-Finnish European, 0.19%; 1 homozygote.

Submission:

CeGaT Center for Human Genetics Tuebingen
Classification: Likely benign. Last evaluated: 2024-07-01. Review status: criteria provided, single submitter. Criteria: CeGaT Center For Human Genetics Tuebingen Variant Classification Criteria Version 2. Collection method: clinical testing. Allele origin: germline. Affected: yes. Observed: 2 variant alleles.
Comment: HDAC8: BP4, BS2

NM_018486.3(HDAC8):c.1111+131C>A

Gene: HDAC8 (histone deacetylase 8; minus strand). Cytogenetic location: Xq13.1.
Variant type: single nucleotide variant.
Coding change: c.1111+131C>A on transcript NM_018486.3 (MANE Select); 131 bases into the intron after coding-DNA position 1111, C replaced by A.
Molecular consequence: intron variant.
Genome position (GRCh38, 1-based): chrX:72,351,602, G>T on the plus strand (C>A on the coding strand, the complement: HDAC8 is on the minus strand). VCF-style: chrX-72351602-G-T. GRCh37 (hg19) VCF-style: chrX-71571452-G-T.
Other names: c.838+131C>A (NM_001166418.2, NM_001410728.1); c.1033+131C>A (NM_001410727.1); c.1111+131C>A (NM_001410725.1).
Identifiers: ClinVar variation 2660912 (VCV002660912.24), dbSNP rs186172414, ClinGen allele CA331149677.